The following is an entry in ClinVar:

NM_005159.5(ACTC1):c.333G>A (p.Pro111=)

Genes: ACTC1 (actin alpha cardiac muscle 1; minus strand), GJD2-DT (GJD2 divergent transcript; plus strand). Cytogenetic location: 15q14.
Variant type: single nucleotide variant.
Coding change: c.333G>A on transcript NM_005159.5 (MANE Select); coding-DNA position 333, G replaced by A.
Protein change: p.Pro111=; no amino-acid change (proline 111 retained).
Molecular consequence: synonymous variant.
Genome position (GRCh38, 1-based): chr15:34,793,366, C>T on the plus strand (G>A on the coding strand, the complement: ACTC1 is on the minus strand). VCF-style: chr15-34793366-C-T. GRCh37 (hg19) VCF-style: chr15-35085567-C-T.
Other names: c.333G>A (LRG_388t1).
Identifiers: ClinVar variation 220307 (VCV000220307.23), dbSNP rs774767260, ClinGen allele CA041668.

ClinVar aggregate classification (germline): Benign/Likely benign. Review status: criteria provided, multiple submitters, no conflicts (2 of 4 stars). 8 submissions from 8 submitters: Benign (1); Likely benign (6). 1 of the submissions does not count toward it. Last evaluated 2026-01-04.

Conditions:
Atrial septal defect 5 (ASD5). Identifiers: Orphanet 1478, MedGen C2748552, MONDO:0013011, OMIM 612794.
Dilated cardiomyopathy 1R (CMD1R). Identifiers: Orphanet 154, Orphanet 54260, MedGen C3150681, MONDO:0013261, OMIM 613424.
Hypertrophic cardiomyopathy 11. Also called: ACTC1-Related Familial Hypertrophic Cardiomyopathy. Identifiers: MedGen C2677506, MONDO:0012799, OMIM 612098.
ACTC1-related disorder. Also called: ACTC1-related condition.
Cardiovascular phenotype. Identifiers: MedGen CN230736.
Cardiomyopathy (CMYO). Also called: Cardiomyopathies. Identifiers: Orphanet 167848, MedGen C0878544, MONDO:0004994, HP:0001638. Inheritance: Various modes of inheritance.
Hypertrophic cardiomyopathy. Also called: HYPERTROPHIC MYOCARDIOPATHY. Identifiers: Orphanet 217569, MedGen C0007194, MeSH D002312, MONDO:0005045, HP:0001639.

Allele frequency attached by ClinVar (database versions not stated): gnomAD 0.00002 and 0.00003; gnomAD exomes 0.00003 and 0.00006; TOPMed 0.00005; ExAC 0.00006.
gnomAD v4.1: 50 of 1,614,010 alleles (0.0031%); highest among the groups gnomAD compares: East Asian, 0.033%; no homozygotes.

Submissions (8):

Labcorp Genetics (formerly Invitae), Labcorp
Classification: Likely benign for Dilated cardiomyopathy 1R; Hypertrophic cardiomyopathy 11; Atrial septal defect 5. Last evaluated: 2026-01-04. Review status: criteria provided, single submitter. Criteria: Invitae Variant Classification Sherloc (09022015). Collection method: clinical testing. Allele origin: germline.

Women's Health and Genetics/Laboratory Corporation of America, LabCorp
Classification: Benign. Last evaluated: 2025-12-26. Review status: criteria provided, single submitter. Criteria: LabCorp Variant Classification Summary - May 2015. Collection method: clinical testing. Allele origin: germline.

Blueprint Genetics
Classification: Likely benign. Last evaluated: 2024-07-31. Review status: criteria provided, single submitter. Criteria: ACMG Guidelines, 2015. Collection method: clinical testing. Allele origin: germline.

All of Us Research Program, National Institutes of Health
Classification: Likely benign for Hypertrophic cardiomyopathy. Last evaluated: 2024-02-05. Review status: criteria provided, single submitter. Criteria: ACMG Guidelines, 2015. Collection method: clinical testing. Allele origin: germline. Inheritance: Autosomal dominant inheritance. Observed: 11 variant alleles, 11 heterozygotes.
Comment: This study involves interpretation of variants in research participants for the purpose of population health screening. Participant phenotype was not available at the time of variant classification. Additional details can be found in publication PMID: 35346344, PMCID: PMC8962531

CHEO Genetics Diagnostic Laboratory, Children's Hospital of Eastern Ontario
Classification: Likely benign for Cardiomyopathy. Last evaluated: 2020-03-04. Review status: criteria provided, single submitter. Criteria: ACMG Guidelines, 2015. Collection method: clinical testing. Allele origin: germline.

Color Diagnostics, LLC DBA Color Health
Classification: Likely benign for Cardiomyopathy. Last evaluated: 2019-03-07. Review status: criteria provided, single submitter. Criteria: ACMG Guidelines, 2015. Collection method: clinical testing. Allele origin: germline.

Ambry Genetics
Classification: Likely benign for Cardiovascular phenotype. Last evaluated: 2015-11-25. Review status: criteria provided, single submitter. Criteria: Ambry Variant Classification Scheme 2023. Collection method: clinical testing. Allele origin: germline.

PreventionGenetics, part of Exact Sciences
Classification: Likely benign for ACTC1-related condition. Last evaluated: 2019-11-26. Review status: no assertion criteria provided. Collection method: clinical testing. Allele origin: germline. Not counted in ClinVar's aggregate classification.
Comment: This variant is classified as likely benign based on ACMG/AMP sequence variant interpretation guidelines (Richards et al. 2015 PMID: 25741868, with internal and published modifications).